The following is an entry in ClinVar:

ClinVar aggregate classification (germline): Likely benign. Review status: criteria provided, multiple submitters, no conflicts (2 of 4 stars). 3 submissions from 3 submitters: Likely benign (2). 1 of the submissions does not count toward it. Last evaluated 2025-10-05.

Conditions:
CARD14-related disorder. Also called: CARD14-related condition.
Pityriasis rubra pilaris (PRP). Also called: Pityriasis rubra pilaris--familial type. Identifiers: Orphanet 2897, MedGen C0032027, MONDO:0100017, OMIM 173200, MONDO:0008251.
Psoriasis 2. Identifiers: MedGen C1864497, MONDO:0011269, OMIM 602723.

Allele frequency attached by ClinVar (database versions not stated): ExAC 0.00002; gnomAD 0.00003; gnomAD exomes 0.00003; TOPMed 0.00003; 1000 Genomes Project 30x 0.00016; 1000 Genomes Project 0.00020.
gnomAD v4.1: 87 of 1,613,842 alleles (0.0054%); highest among the groups gnomAD compares: Non-Finnish European, 0.0069%; no homozygotes.

Submissions (3):

Labcorp Genetics (formerly Invitae), Labcorp
Classification: Likely benign for Pityriasis rubra pilaris; Psoriasis 2. Last evaluated: 2025-10-05. Review status: criteria provided, single submitter. Criteria: Invitae Variant Classification Sherloc (09022015). Collection method: clinical testing. Allele origin: germline.

Blueprint Genetics
Classification: Likely benign. Last evaluated: 2022-03-03. Review status: criteria provided, single submitter. Criteria: ACMG Guidelines, 2015. Collection method: clinical testing. Allele origin: germline.

PreventionGenetics, part of Exact Sciences
Classification: Likely benign for CARD14-related condition. Last evaluated: 2019-12-03. Review status: no assertion criteria provided. Collection method: clinical testing. Allele origin: germline. Not counted in ClinVar's aggregate classification.
Comment: This variant is classified as likely benign based on ACMG/AMP sequence variant interpretation guidelines (Richards et al. 2015 PMID: 25741868, with internal and published modifications).

NM_001366385.1(CARD14):c.1179G>A (p.Thr393=)

Gene: CARD14 (caspase recruitment domain family member 14; plus strand). Cytogenetic location: 17q25.3.
Variant type: single nucleotide variant.
Coding change: c.1179G>A on transcript NM_001366385.1 (MANE Select); coding-DNA position 1179, G replaced by A.
Protein change: p.Thr393=; no amino-acid change (threonine 393 retained).
Molecular consequence: synonymous variant. On other transcripts: non-coding transcript variant (1).
Genome position (GRCh38, 1-based): chr17:80,191,412, G>A. VCF-style: chr17-80191412-G-A. GRCh37 (hg19) VCF-style: chr17-78165211-G-A.
Other names: c.1179G>A, p.Thr393= (NM_001257970.1, NM_024110.4); c.468G>A, p.Thr156= (NM_052819.3).
Identifiers: ClinVar variation 1148221 (VCV001148221.12), dbSNP rs539249557, ClinGen allele CA8816698.